The following is an entry in ClinVar:

ClinVar aggregate classification (germline): Likely benign. Review status: criteria provided, multiple submitters, no conflicts (2 of 4 stars). 2 submissions from 2 submitters: Likely benign (2). Last evaluated 2025-11-03.

Conditions:
Landau-Kleffner syndrome (FESD). Also called: EPILEPSY, FOCAL, WITH SPEECH DISORDER AND WITH OR WITHOUT MENTAL RETARDATION; APHASIA, ACQUIRED, WITH EPILEPSY. Identifiers: Orphanet 1945, Orphanet 725, Orphanet 98818, MedGen C0282512, MONDO:0009509, OMIM 245570.

Allele frequency attached by ClinVar (database versions not stated): ExAC 0.00001; gnomAD 0.00001; gnomAD exomes 0.00001.
gnomAD v4.1: 10 of 1,613,680 alleles (0.00062%); highest among the groups gnomAD compares: Middle Eastern, 0.016%; no homozygotes.

Submissions (2):

Labcorp Genetics (formerly Invitae), Labcorp
Classification: Likely benign for Landau-Kleffner syndrome. Last evaluated: 2025-11-03. Review status: criteria provided, single submitter. Criteria: Invitae Variant Classification Sherloc (09022015). Collection method: clinical testing. Allele origin: germline.

CeGaT Center for Human Genetics Tuebingen
Classification: Likely benign. Last evaluated: 2023-05-01. Review status: criteria provided, single submitter. Criteria: CeGaT Center For Human Genetics Tuebingen Variant Classification Criteria Version 2. Collection method: clinical testing. Allele origin: germline. Affected: yes. Observed: 1 variant allele.
Comment: GRIN2A: BP4, BP7

NM_001134407.3(GRIN2A):c.2166G>A (p.Thr722=)

Gene: GRIN2A (glutamate ionotropic receptor NMDA type subunit 2A; minus strand). Cytogenetic location: 16p13.2.
Variant type: single nucleotide variant.
Coding change: c.2166G>A on transcript NM_001134407.3 (MANE Select); coding-DNA position 2166, G replaced by A.
Protein change: p.Thr722=; no amino-acid change (threonine 722 retained).
Molecular consequence: synonymous variant.
Genome position (GRCh38, 1-based): chr16:9,822,266, C>T on the plus strand (G>A on the coding strand, the complement: GRIN2A is on the minus strand). VCF-style: chr16-9822266-C-T. GRCh37 (hg19) VCF-style: chr16-9916123-C-T.
Other names: c.2166G>A, p.Thr722= (NM_000833.5, NM_001134408.2).
Identifiers: ClinVar variation 2418512 (VCV002418512.34), dbSNP rs761873363, ClinGen allele CA7896585.